The following is an entry in ClinVar:

ClinVar aggregate classification (germline): Conflicting classifications of pathogenicity. Review status: criteria provided, conflicting classifications (1 of 4 stars). 4 submissions from 4 submitters: Uncertain significance (1); Benign (1); Likely benign (1). 1 of the submissions does not count toward it. Last evaluated 2025-06-04.

Conditions:
Hajdu-Cheney syndrome (HJCYS). Also called: SERPENTINE FIBULA-POLYCYSTIC KIDNEY SYNDROME; ACROOSTEOLYSIS WITH OSTEOPOROSIS AND CHANGES IN SKULL AND MANDIBLE; Acroosteolysis dominant type. Identifiers: Orphanet 955, MedGen C0917715, MONDO:0007057, OMIM 102500.
NOTCH2-related disorder. Also called: NOTCH2-related condition.

Allele frequency attached by ClinVar (database versions not stated): ExAC 0.00007; gnomAD exomes 0.00007 and 0.00004; gnomAD 0.00004; TOPMed 0.00006.
gnomAD v4.1: 70 of 1,614,020 alleles (0.0043%); highest among the groups gnomAD compares: East Asian, 0.12%; no homozygotes.

Submissions (4):

Labcorp Genetics (formerly Invitae), Labcorp
Classification: Benign for Hajdu-Cheney syndrome. Last evaluated: 2025-06-04. Review status: criteria provided, single submitter. Criteria: Invitae Variant Classification Sherloc (09022015). Collection method: clinical testing. Allele origin: germline.

Blueprint Genetics
Classification: Likely benign. Last evaluated: 2023-04-20. Review status: criteria provided, single submitter. Criteria: ACMG Guidelines, 2015. Collection method: clinical testing. Allele origin: germline.

Eurofins Ntd Llc (ga)
Classification: Uncertain significance. Last evaluated: 2016-08-02. Review status: criteria provided, single submitter. Criteria: EGL Classification Definitions 2015. Collection method: clinical testing. Allele origin: germline. Observed: 1 variant allele, 1 heterozygote.

PreventionGenetics, part of Exact Sciences
Classification: Likely benign for NOTCH2-related condition. Last evaluated: 2021-06-18. Review status: no assertion criteria provided. Collection method: clinical testing. Allele origin: germline. Not counted in ClinVar's aggregate classification.
Comment: This variant is classified as likely benign based on ACMG/AMP sequence variant interpretation guidelines (Richards et al. 2015 PMID: 25741868, with internal and published modifications).

NM_024408.4(NOTCH2):c.7263T>A (p.Ser2421=)

Gene: NOTCH2 (notch receptor 2; minus strand). Cytogenetic location: 1p12.
Variant type: single nucleotide variant.
Coding change: c.7263T>A on transcript NM_024408.4 (MANE Select); coding-DNA position 7263, T replaced by A.
Protein change: p.Ser2421=; no amino-acid change (serine 2421 retained).
Molecular consequence: synonymous variant.
Genome position (GRCh38, 1-based): chr1:119,915,459, A>T on the plus strand (T>A on the coding strand, the complement: NOTCH2 is on the minus strand). VCF-style: chr1-119915459-A-T. GRCh37 (hg19) VCF-style: chr1-120458082-A-T.
Other names: c.7263T>A (NM_024408.3).
Identifiers: ClinVar variation 289980 (VCV000289980.14), dbSNP rs369912969, ClinGen allele CA1039297.